The following is an entry in ClinVar:

NM_000376.3(VDR):c.1206C>A (p.Arg402=)

Gene: VDR (vitamin D receptor; minus strand). Cytogenetic location: 12q13.11.
Variant type: single nucleotide variant.
Coding change: c.1206C>A on transcript NM_000376.3 (MANE Select); coding-DNA position 1206, C replaced by A.
Protein change: p.Arg402=; no amino-acid change (arginine 402 retained).
Molecular consequence: synonymous variant.
Genome position (GRCh38, 1-based): chr12:47,844,824, G>T on the plus strand (C>A on the coding strand, the complement: VDR is on the minus strand). VCF-style: chr12-47844824-G-T. GRCh37 (hg19) VCF-style: chr12-48238607-G-T.
Other names: c.1206C>A, p.Arg402= (NM_001017535.2, NM_001364085.2, NM_001374661.1 and 1 more transcripts); c.1356C>A, p.Arg452= (NM_001017536.2).
Identifiers: ClinVar variation 796847 (VCV000796847.16), dbSNP rs2229829, ClinGen allele CA6533726.

ClinVar aggregate classification (germline): Benign/Likely benign. Review status: criteria provided, multiple submitters, no conflicts (2 of 4 stars). 5 submissions from 5 submitters: Benign (1); Likely benign (4). Last evaluated 2026-04-01.

Conditions:
Vitamin D-dependent rickets type II with alopecia (VDDR2A). Also called: PDDR IIA; PSEUDOVITAMIN D-DEFICIENCY, TYPE IIA; RICKETS, HEREDITARY VITAMIN D-RESISTANT; RICKETS-ALOPECIA SYNDROME; VITAMIN D-DEPENDENT RICKETS, TYPE 2A, WITH OR WITHOUT ALOPECIA; VITAMIN D-RESISTANT RICKETS WITH END-ORGAN UNRESPONSIVENESS TO 1,25-DIHYDROXYCHOLECALCIFEROL. Identifiers: Orphanet 93160, MedGen C0342646, MONDO:0010186, OMIM 277440.

Allele frequency attached by ClinVar (database versions not stated): gnomAD 0.00014 and 0.00033; gnomAD exomes 0.00027 and 0.00076; TOPMed 0.00037; ExAC 0.00063; 1000 Genomes Project 0.00180; 1000 Genomes Project 30x 0.00187.
gnomAD v4.1: 450 of 1,614,218 alleles (0.028%); highest among the groups gnomAD compares: East Asian, 0.58%; 4 homozygotes.

Submissions (5):

CeGaT Center for Human Genetics Tuebingen
Classification: Likely benign. Last evaluated: 2026-04-01. Review status: criteria provided, single submitter. Criteria: CeGaT Center For Human Genetics Tuebingen Variant Classification Criteria Version 2. Collection method: clinical testing. Allele origin: germline. Affected: yes. Observed: 1 variant allele.
Comment: VDR: BP4, BP7

Labcorp Genetics (formerly Invitae), Labcorp
Classification: Benign. Last evaluated: 2026-01-11. Review status: criteria provided, single submitter. Criteria: Invitae Variant Classification Sherloc (09022015). Collection method: clinical testing. Allele origin: germline.

Blueprint Genetics
Classification: Likely benign. Last evaluated: 2024-11-21. Review status: criteria provided, single submitter. Criteria: ACMG Guidelines, 2015. Collection method: clinical testing. Allele origin: germline.

Fulgent Genetics
Classification: Likely benign for Vitamin D-dependent rickets type II with alopecia. Last evaluated: 2021-09-10. Review status: criteria provided, single submitter. Criteria: ACMG Guidelines, 2015. Collection method: clinical testing. Allele origin: unknown.

Illumina Laboratory Services, Illumina
Classification: Likely benign for Vitamin D-dependent rickets type II with alopecia. Last evaluated: 2017-04-27. Review status: criteria provided, single submitter. Criteria: ICSL Variant Classification Criteria 13 December 2019. Collection method: clinical testing. Allele origin: germline.
Comment: This variant was observed as part of a predisposition screen in an ostensibly healthy population. A literature search was performed for the gene, cDNA change, and amino acid change (where applicable). Publications were found based on this search. The evidence from the literature, in combination with allele frequency data from public databases where available, was sufficient to determine this variant is unlikely to cause disease. Therefore, this variant is classified as likely benign.

Literature cited by the submitters: PubMed 21168462 (cited by Illumina Laboratory Services, Illumina); PubMed 18159135 (cited by Illumina Laboratory Services, Illumina).